The following is an entry in ClinVar:

NM_001165963.4(SCN1A):c.3697G>C (p.Gly1233Arg)

Genes: SCN1A (sodium voltage-gated channel alpha subunit 1; minus strand), LOC102724058 (uncharacterized LOC102724058; plus strand). Cytogenetic location: 2q24.3.
Variant type: single nucleotide variant.
Coding change: c.3697G>C on transcript NM_001165963.4 (MANE Select); coding-DNA position 3697, G replaced by C.
Protein change: p.Gly1233Arg; replaces glycine 1233 with arginine.
Molecular consequence: missense variant. On other transcripts: non-coding transcript variant (1).
Genome position (GRCh38, 1-based): chr2:166,013,752, C>G on the plus strand (G>C on the coding strand, the complement: SCN1A is on the minus strand). VCF-style: chr2-166013752-C-G. GRCh37 (hg19) VCF-style: chr2-166870262-C-G.
Other names: c.3613G>C, p.Gly1205Arg (NM_001165964.3, NM_001353957.2, NM_001353958.2); c.3697G>C, p.Gly1233Arg (NM_001202435.3, NM_001353948.2); c.3664G>C, p.Gly1222Arg (NM_001353949.2, NM_001353950.2, NM_001353951.2 and 2 more transcripts); c.3661G>C, p.Gly1221Arg (NM_001353954.2, NM_001353955.2); c.3610G>C, p.Gly1204Arg (NM_001353960.2); c.1255G>C, p.Gly419Arg (NM_001353961.2); short protein forms G1222R, G1233R, G419R, G1204R, G1205R, G1221R.
Identifiers: ClinVar variation 68531 (VCV000068531.9), dbSNP rs121917911, ClinGen allele CA284928.

ClinVar aggregate classification (germline): Pathogenic. Review status: criteria provided, single submitter (1 of 4 stars). 2 submissions from 2 submitters: Pathogenic (1). 1 of the submissions does not count toward it. Last evaluated 2022-10-13.

Conditions:
Early-infantile DEE. Also called: Early infantile epileptic encephalopathy; Early infantile epileptic encephalopathy with suppression bursts; Ohtahara syndrome. Identifiers: Orphanet 1934, MedGen C0393706, MONDO:0800491.
Severe myoclonic epilepsy in infancy (DRVT). Also called: SEVERE MYOCLONIC EPILEPSY OF INFANCY; DEVELOPMENTAL AND EPILEPTIC ENCEPHALOPATHY 6A; Severe Myoclonic Epilepsy in Infancy (SMEI); Dravet syndrome; Epileptic encephalopathy, early infantile, 6 (Dravet syndrome). Identifiers: Orphanet 33069, MedGen C0751122, MONDO:0100135, OMIM 607208.

Submissions (2):

Labcorp Genetics (formerly Invitae), Labcorp
Classification: Pathogenic for Early-infantile DEE. Last evaluated: 2022-10-13. Review status: criteria provided, single submitter. Criteria: Invitae Variant Classification Sherloc (09022015). Collection method: clinical testing. Allele origin: germline.
Comment: This missense change has been observed in individual(s) with clinical features of severe myoclonic epilepsy of infancy (SMEI) (PMID: 17054684). In at least one individual the variant was observed to be de novo. This sequence change replaces glycine, which is neutral and non-polar, with arginine, which is basic and polar, at codon 1233 of the SCN1A protein (p.Gly1233Arg). This variant is not present in population databases (gnomAD no frequency). ClinVar contains an entry for this variant (Variation ID: 68531). Advanced modeling of protein sequence and biophysical properties (such as structural, functional, and spatial information, amino acid conservation, physicochemical variation, residue mobility, and thermodynamic stability) performed at Invitae indicates that this missense variant is expected to disrupt SCN1A protein function. For these reasons, this variant has been classified as Pathogenic.

UniProtKB/Swiss-Prot
No classification provided. Condition: Severe myoclonic epilepsy in infancy. Review status: no classification provided. Collection method: not provided. Allele origin: unknown. Not counted in ClinVar's aggregate classification.

Literature cited by the submitters: PubMed 17054684 (cited by Labcorp Genetics (formerly Invitae), Labcorp).